The following is an entry in ClinVar:

ClinVar aggregate classification (germline): Likely benign (1 of 4 stars; one submission).

Allele frequency attached by ClinVar (database versions not stated): TOPMed 0.00077; ESP Exome Variant Server 0.00111; gnomAD 0.00119; gnomAD exomes 0.00133; ExAC 0.00184; 1000 Genomes Project 30x 0.00031; 1000 Genomes Project 0.00040.
gnomAD v4.1: 2,116 of 1,614,044 alleles (0.13%); highest among the groups gnomAD compares: South Asian, 0.22%; 6 homozygotes.

Submission:

CeGaT Center for Human Genetics Tuebingen
Classification: Likely benign. Last evaluated: 2022-03-01. Review status: criteria provided, single submitter. Criteria: CeGaT Center For Human Genetics Tuebingen Variant Classification Criteria Version 2. Collection method: clinical testing. Allele origin: germline. Affected: yes. Observed: 1 variant allele.
Comment: PCDHGA4: BP4, BP7

NM_018917.4(PCDHGA4):c.409C>T (p.Leu137=)

Genes: PCDHG@ (protocadherin gamma cluster; plus strand), PCDHGA1 (protocadherin gamma subfamily A, 1; plus strand), PCDHGA2 (protocadherin gamma subfamily A, 2; plus strand), PCDHGA3 (protocadherin gamma subfamily A, 3; plus strand), PCDHGA4 (protocadherin gamma subfamily A, 4; plus strand) and 1 more. Cytogenetic location: 5q31.3.
Variant type: single nucleotide variant.
Coding change: c.409C>T on transcript NM_018917.4 (MANE Select); coding-DNA position 409, C replaced by T.
Protein change: p.Leu137=; no amino-acid change (leucine 137 retained).
Molecular consequence: synonymous variant. On other transcripts: intron variant (4).
Genome position (GRCh38, 1-based): chr5:141,355,516, C>T. VCF-style: chr5-141355516-C-T. GRCh37 (hg19) VCF-style: chr5-140735083-C-T.
Other names: c.409C>T, p.Leu137= (NM_032053.3); c.2421+22411C>T (NM_018912.3); c.2424+14121C>T (NM_018915.4); c.2424+9059C>T (NM_018916.4); c.2409+2847C>T (NM_018922.3).
Identifiers: ClinVar variation 2655844 (VCV002655844.24), dbSNP rs201107501, ClinGen allele CA3468957.